The following is an entry in ClinVar:

ClinVar aggregate classification (germline): Conflicting classifications of pathogenicity. Review status: criteria provided, conflicting classifications (1 of 4 stars). 2 submissions from 2 submitters: Likely pathogenic (1); Uncertain significance (1). Last evaluated 2016-07-27.

Conditions:
Inborn genetic diseases. Identifiers: MedGen C0950123, MeSH D030342.

Submissions (2):

Ambry Genetics
Classification: Likely pathogenic for Inborn genetic diseases. Last evaluated: 2016-07-27. Review status: criteria provided, single submitter. Criteria: Ambry Variant Classification Scheme 2023. Collection method: clinical testing. Allele origin: germline.
Comment: The c.4292dupT variant, located in coding exon 16 of the KAT6A gene, results from a duplication of T at nucleotide position 4292, causing a translational frameshift with a predicted alternate stop codon. This alteration was detected as a de novo occurrence in an individual with global developmental delay, speech delay, neonatal hypotonia, crainofacial features, and eye and feeding problems (Tham E et al. Am. J. Hum. Genet., 2015 Mar;96:507-13). This variant was not reported in population based cohorts in the following databases: Database of Single Nucleotide Polymorphisms (dbSNP), NHLBI Exome Sequencing Project (ESP), and 1000 Genomes Project. In the ESP, this variant was not observed in 6503 samples (13006 alleles) with coverage at this position. This nucleotide position is highly conserved in available vertebrate species. This alteration is expected to result in loss of function by premature protein truncation or nonsense-mediated mRNA decay. As such, this alteration is classified as likely pathogenic.

GeneDx
Classification: Uncertain significance. Last evaluated: 2013-11-06. Review status: criteria provided, single submitter. Criteria: GeneDx Variant Classification (06012015). Collection method: clinical testing. Allele origin: germline. Affected: yes.
Comment: The KAT6A gene is a candidate gene. This variant requires further evaluation in a research setting. To date, no mutations in the KAT6A gene have been reported in association with a specific human disease to our knowledge. However, multiple patients presenting with global developmental delay, dysmorphic facial features, hypotonia, and cardiac anomalies were found to carry a de novo variant in the KAT6A gene at GeneDx. While the function of KAT6A has not been completely defined, studies in mice suggest that KAT6A may act as a chromatin modifier by interacting with the TBX1 gene. Mutations in the TBX1 gene as well as contiguous gene deletions including the TBX1 gene within cytogenetic band 22q11 cause Velocardiofacial/DiGeorge syndrome. KAT6A-null mice have features that mirror the 22q11 deletion syndrome, suggesting KAT6A is involved in cardiac, pharyngeal and facial development (Voss et al., 2012).;c.4292dupT: p.Leu1431PhefsX8 (L1431FfsX8) in exon 18 in the KAT6A gene (NM_001099412.1). The normal sequence with the base that is duplicated in braces is: TCTT{T}GACT. The apparently c.4292dupT variant in the KAT6A gene has not been reported previously, to our knowledge. This variant causes a frameshift starting with codon Leucine 1431, changes this amino acid to a Phenylalanine residue and creates a premature Stop codon at position 8 of the new reading frame, denoted p.Leu1431PhefsX8. This variant is predicted to cause loss of normal protein function either through protein truncation or nonsense-mediated mRNA decay. This variant has been seen de novo. The variant is found in KAT6A panel(s).

Literature cited by the submitters: PubMed 25728777 (cited by Ambry Genetics and GeneDx).

NM_006766.5(KAT6A):c.4292dup (p.Leu1431fs)

Gene: KAT6A (lysine acetyltransferase 6A; minus strand). Cytogenetic location: 8p11.21.
Variant type: Duplication.
Coding change: c.4292dup on transcript NM_006766.5 (MANE Select); coding-DNA position 4292, one base duplicated (T; older notation c.4292dupT).
Protein change: p.Leu1431fs; shifts the reading frame from leucine 1431.
Molecular consequence: frameshift variant.
Genome position (GRCh38, 1-based): chr8:41,933,928, A duplicated on the plus strand (T on the coding strand, the reverse complement: KAT6A is on the minus strand); the first of 3 consecutive A bases (chr8:41,933,928-41,933,930); duplicating any one gives the same sequence. VCF-style (leftmost placement, unchanged base first): chr8-41933927-C-CA. GRCh37 (hg19) VCF-style: chr8-41791445-C-CA.
Other names: short protein forms L1431fs.
Identifiers: ClinVar variation 162182 (VCV000162182.4), dbSNP rs786200956, ClinGen allele CA004234.